The following is an entry in ClinVar:

NM_002739.5(PRKCG):c.1790G>A (p.Arg597His)

Gene: PRKCG (protein kinase C gamma; plus strand). Cytogenetic location: 19q13.42.
Variant type: single nucleotide variant.
Coding change: c.1790G>A on transcript NM_002739.5 (MANE Select); coding-DNA position 1790, G replaced by A.
Protein change: p.Arg597His; replaces arginine 597 with histidine.
Molecular consequence: missense variant.
Genome position (GRCh38, 1-based): chr19:53,906,342, G>A. VCF-style: chr19-53906342-G-A. GRCh37 (hg19) VCF-style: chr19-54409596-G-A.
Other names: c.1790G>A, p.Arg597His (NM_001316329.2); short protein forms R597H.
Identifiers: ClinVar variation 1704769 (VCV001704769.2), dbSNP rs1568764306, ClinGen allele CA407420050.

ClinVar aggregate classification (germline): Uncertain significance (1 of 4 stars; one submission).

gnomAD v4.1: 3 of 1,551,650 alleles (0.00019%); highest among the groups gnomAD compares: South Asian, 0.0012%; no homozygotes.

Submission:

GeneDx
Classification: Uncertain significance. Last evaluated: 2022-03-11. Review status: criteria provided, single submitter. Criteria: GeneDx Variant Classification Process June 2021. Collection method: clinical testing. Allele origin: germline. Affected: yes.
Comment: Not observed at significant frequency in large population cohorts (gnomAD); In silico analysis supports that this missense variant has a deleterious effect on protein structure/function; Has not been previously published as pathogenic or benign to our knowledge